The following is an entry in ClinVar:

NM_005902.4(SMAD3):c.511G>C (p.Glu171Gln)

Gene: SMAD3 (SMAD family member 3; plus strand). Cytogenetic location: 15q22.33.
Variant type: single nucleotide variant.
Coding change: c.511G>C on transcript NM_005902.4 (MANE Select); coding-DNA position 511, G replaced by C.
Protein change: p.Glu171Gln; replaces glutamic acid 171 with glutamine.
Molecular consequence: missense variant. On other transcripts: intron variant (2).
Genome position (GRCh38, 1-based): chr15:67,165,363, G>C. VCF-style: chr15-67165363-G-C. GRCh37 (hg19) VCF-style: chr15-67457701-G-C.
Other names: c.196G>C, p.Glu66Gln (NM_001145102.2, NM_001407016.1); c.379G>C, p.Glu127Gln (NM_001145103.2); c.511G>C, p.Glu171Gln (NM_001407011.1, NM_001407013.1); c.364G>C, p.Glu122Gln (NM_001407014.1); c.400+275G>C (NM_001407012.1); c.85+275G>C (NM_001407015.1); short protein forms E127Q, E122Q, E171Q, E66Q.
Identifiers: ClinVar variation 3958345 (VCV003958345.1).
Genomic context (GRCh38, chr15:67,165,363, plus strand): 5'-CCCCCACTGGACGACTACAGCCATTCCATCCCCGAAAACACTAACTTCCCCGCAGGCATC[G>C]AGCCCCAGAGCAATATTCCAGGTAGGCACGTGGGCGGCACAGGCTGGCCTGGGAGGCAGG-3'
Protein context (NP_005893.1, residues 161-181): PENTNFPAGI[Glu171Gln]PQSNIPETPP

ClinVar aggregate classification (germline): Uncertain significance (1 of 4 stars; one submission).

Conditions:
Familial thoracic aortic aneurysm and aortic dissection (TAAD). Also called: Thoracic aortic aneurysms and dissections. Identifiers: Orphanet 91387, MedGen C4707243, MONDO:0019625.

Submission:

Ambry Genetics
Classification: Uncertain significance for Familial thoracic aortic aneurysm and aortic dissection. Last evaluated: 2025-04-24. Review status: criteria provided, single submitter. Criteria: Ambry Variant Classification Scheme 2023. Collection method: clinical testing. Allele origin: germline.
Comment: The p.E171Q variant (also known as c.511G>C), located in coding exon 3 of the SMAD3 gene, results from a G to C substitution at nucleotide position 511. The glutamic acid at codon 171 is replaced by glutamine, an amino acid with highly similar properties. This amino acid position is conserved. In addition, this alteration is predicted to be deleterious by in silico analysis. Based on the available evidence, the clinical significance of this variant remains unclear.